The following is an entry in ClinVar:

NM_000551.4(VHL):c.340+735C>T

Genes: VHL (von Hippel-Lindau tumor suppressor; plus strand), LOC107303340 (3p25 von Hippel-Lindau tumor suppressor, E3 ubiquitin protein ligase Alu-mediated recombination region; plus strand). Cytogenetic location: 3p25.3.
Variant type: single nucleotide variant.
Coding change: c.340+735C>T on transcript NM_000551.4 (MANE Select); 735 bases into the intron after coding-DNA position 340, C replaced by T.
Molecular consequence: intron variant. On other transcripts: missense variant (1), non-coding transcript variant (1).
Genome position (GRCh38, 1-based): chr3:10,142,922, C>T. VCF-style: chr3-10142922-C-T. GRCh37 (hg19) VCF-style: chr3-10184606-C-T.
Other names: c.500C>T, p.Pro167Leu (NM_001354723.2); c.340+735C>T (NM_198156.3); short protein forms P167L.
Identifiers: ClinVar variation 2938630 (VCV002938630.3), dbSNP rs2470160182, ClinGen allele CA2740090922.
Genomic context (GRCh38, chr3:10,142,922, plus strand): 5'-AGGGTCATGTTGGCGCCGGAAGAGCCGACCGTGTGTGGCGTGGGAAATTGACTTACCTGC[C>T]TGCTGGGAGATGGAGGGGTTGCGGTTGTGTGGTTTCAGTTAAGGAGCACTTCCCGGAGAA-3'

ClinVar aggregate classification (germline): Uncertain significance (1 of 4 stars; one submission).

Conditions:
Chuvash polycythemia. Also called: POLYCYTHEMIA, VHL-DEPENDENT. Identifiers: Orphanet 238557, MedGen C1837915, MONDO:0009892, OMIM 263400.
Von Hippel-Lindau syndrome (VHLS). Also called: von Hippel–Lindau syndrome; VHL syndrome; Von Hippel-Lindau. Identifiers: Orphanet 892, MedGen C0019562, MONDO:0008667, OMIM 193300. Disease mechanism: loss of function.

Submission:

Labcorp Genetics (formerly Invitae), Labcorp
Classification: Uncertain significance for Von Hippel-Lindau syndrome; Chuvash polycythemia. Last evaluated: 2025-09-23. Review status: criteria provided, single submitter. Criteria: Invitae Variant Classification Sherloc (09022015). Collection method: clinical testing. Allele origin: germline.
Comment: This sequence change falls in intron 1 of the VHL gene. It is not expected to change the encoded amino acid sequence of the VHL protein. However, this sequence change falls within a cryptic exon in the VHL gene, known as exon E1’, which is naturally expressed at low levels in several human tissues (PMID: 29891534). This variant is not present in population databases (gnomAD no frequency). This variant has not been reported in the literature in individuals affected with VHL-related conditions. ClinVar contains an entry for this variant (Variation ID: 2938630). Algorithms developed to predict the effect of sequence changes on RNA splicing suggest that this variant is not likely to affect RNA splicing. In summary, the available evidence is currently insufficient to determine the role of this variant in disease. Therefore, it has been classified as a Variant of Uncertain Significance.

Literature cited by the submitters: PubMed 29891534.